The following is an entry in ClinVar:

ClinVar aggregate classification (germline): Uncertain significance (1 of 4 stars; one submission).

Submission:

GeneDx
Classification: Uncertain significance. Last evaluated: 2023-12-09. Review status: criteria provided, single submitter. Criteria: GeneDx Variant Classification Process June 2021. Collection method: clinical testing. Allele origin: germline. Affected: yes.
Comment: Not observed at significant frequency in large population cohorts (gnomAD); In silico analysis supports that this missense variant does not alter protein structure/function; Has not been previously published as pathogenic or benign to our knowledge

NM_001395159.1(UNC79):c.4099A>G (p.Ile1367Val)

Gene: UNC79 (unc-79 homolog, NALCN channel complex subunit; plus strand). Cytogenetic location: 14q32.12.
Variant type: single nucleotide variant.
Coding change: c.4099A>G on transcript NM_001395159.1 (MANE Select); coding-DNA position 4099, A replaced by G.
Protein change: p.Ile1367Val; replaces isoleucine 1367 with valine.
Molecular consequence: missense variant.
Genome position (GRCh38, 1-based): chr14:93,613,075, A>G. VCF-style: chr14-93613075-A-G. GRCh37 (hg19) VCF-style: chr14-94079421-A-G.
Other names: c.4033A>G, p.Ile1345Val (NM_001346218.2); c.3502A>G, p.Ile1168Val (NM_020818.5); short protein forms I1168V, I1345V, I1367V.
Identifiers: ClinVar variation 3253123 (VCV003253123.1), dbSNP rs2549343494.
Genomic context (GRCh38, chr14:93,613,075, plus strand): 5'-TTCATGATTGCACCTCAAAAAATGCGCCTGTCAACTTGCTTTAATGCATTCATTGCAGGA[A>G]TTGCCCAAGTAAGTGTAATAACAGCTTTCAGAAGTCACACCTTTATACTTTTAGTAGAAG-3'
Protein context (NP_001382088.1, residues 1357-1377): STCFNAFIAG[Ile1367Val]AQVMDYNINL